The following is an entry in ClinVar:

ClinVar aggregate classification (germline): Benign (1 of 4 stars; one submission).

Conditions:
Maturity-onset diabetes of the young type 7 (MODY7). Identifiers: Orphanet 552, MedGen C1864839, MONDO:0012513, OMIM 610508.

Allele frequency attached by ClinVar (database versions not stated): 1000 Genomes Project 30x 0.00390; 1000 Genomes Project 0.00459; gnomAD 0.00537 and 0.00584; TOPMed 0.00580.
gnomAD v4.1: 979 of 398,628 alleles (0.25%); highest among the groups gnomAD compares: African/African-American, 1.9%; 10 homozygotes.

Submission:

Illumina Laboratory Services, Illumina
Classification: Benign for Maturity-onset diabetes of the young type 7. Last evaluated: 2018-01-12. Review status: criteria provided, single submitter. Criteria: ICSL Variant Classification Criteria 13 December 2019. Collection method: clinical testing. Allele origin: germline.
Comment: This variant was observed in the ICSL laboratory as part of a predisposition screen in an ostensibly healthy population. It had not been previously curated by ICSL or reported in the Human Gene Mutation Database (HGMD: prior to June 1st, 2018), and was therefore a candidate for classification through an automated scoring system. Utilizing variant allele frequency, disease prevalence and penetrance estimates, and inheritance mode, an automated score was calculated to assess if this variant is too frequent to cause the disease. Based on the score and internal cut-off values, a variant classified as benign is not then subjected to further curation. The score for this variant resulted in a classification of benign for this disease.

NM_003597.5(KLF11):c.*981G>A

Gene: KLF11 (KLF transcription factor 11; plus strand). Cytogenetic location: 2p25.1.
Variant type: single nucleotide variant.
Coding change: c.*981G>A on transcript NM_003597.5 (MANE Select); 981 bases downstream of the stop codon, G replaced by A.
Molecular consequence: 3 prime UTR variant.
Genome position (GRCh38, 1-based): chr2:10,053,488, G>A. VCF-style: chr2-10053488-G-A. GRCh37 (hg19) VCF-style: chr2-10193615-G-A.
Other names: c.*981G>A (NM_001177716.2, NM_001177718.2).
Identifiers: ClinVar variation 894418 (VCV000894418.4), dbSNP rs148235172, ClinGen allele CA42440594.